The following is an entry in ClinVar:

NM_001873.4(CPE):c.790+10C>T

Gene: CPE (carboxypeptidase E; plus strand). Cytogenetic location: 4q32.3.
Variant type: single nucleotide variant.
Coding change: c.790+10C>T on transcript NM_001873.4 (MANE Select); 10 bases into the intron after coding-DNA position 790, C replaced by T.
Molecular consequence: intron variant.
Genome position (GRCh38, 1-based): chr4:165,482,369, C>T. VCF-style: chr4-165482369-C-T. GRCh37 (hg19) VCF-style: chr4-166403521-C-T.
Identifiers: ClinVar variation 3036214 (VCV003036214.2), dbSNP rs202187157, ClinGen allele CA109779292.

ClinVar aggregate classification (germline): Likely benign (0 of 4 stars; one submission).

Conditions:
CPE-related disorder. Also called: CPE-related condition.

Allele frequency attached by ClinVar (database versions not stated): TOPMed below 0.00001.
gnomAD v4.1: 7 of 1,547,802 alleles (0.00045%); highest among the groups gnomAD compares: Middle Eastern, 0.051%; no homozygotes.

Submission:

PreventionGenetics, part of Exact Sciences
Classification: Likely benign for CPE-related condition. Last evaluated: 2023-11-30. Review status: no assertion criteria provided. Collection method: clinical testing. Allele origin: germline.
Comment: This variant is classified as likely benign based on ACMG/AMP sequence variant interpretation guidelines (Richards et al. 2015 PMID: 25741868, with internal and published modifications).